The following is an entry in ClinVar:

NM_017636.4(TRPM4):c.2033A>G (p.Gln678Arg)

Gene: TRPM4 (transient receptor potential cation channel subfamily M member 4; plus strand). Cytogenetic location: 19q13.33.
Variant type: single nucleotide variant.
Coding change: c.2033A>G on transcript NM_017636.4 (MANE Select); coding-DNA position 2033, A replaced by G.
Protein change: p.Gln678Arg; replaces glutamine 678 with arginine.
Molecular consequence: missense variant.
Genome position (GRCh38, 1-based): chr19:49,190,221, A>G. VCF-style: chr19-49190221-A-G. GRCh37 (hg19) VCF-style: chr19-49693478-A-G.
Other names: c.2033A>G, p.Gln678Arg (NM_001195227.2); c.1688A>G, p.Gln563Arg (NM_001321281.2); c.425A>G, p.Gln142Arg (NM_001321282.2); c.1511A>G, p.Gln504Arg (NM_001321283.2); c.971A>G, p.Gln324Arg (NM_001321285.2); short protein forms Q504R, Q678R, Q142R, Q324R, Q563R.
Identifiers: ClinVar variation 4718400 (VCV004718400.1).

ClinVar aggregate classification (germline): Uncertain significance (1 of 4 stars; one submission).

Conditions:
Progressive familial heart block type IB (PFHB1B). Identifiers: Orphanet 871, MedGen C1970298, MONDO:0011474, OMIM 604559.

Submission:

Labcorp Genetics (formerly Invitae), Labcorp
Classification: Uncertain significance for Progressive familial heart block type IB. Last evaluated: 2025-05-04. Review status: criteria provided, single submitter. Criteria: Invitae Variant Classification Sherloc (09022015). Collection method: clinical testing. Allele origin: germline.
Comment: This sequence change replaces glutamine, which is neutral and polar, with arginine, which is basic and polar, at codon 678 of the TRPM4 protein (p.Gln678Arg). This variant is not present in population databases (gnomAD no frequency). This variant has not been reported in the literature in individuals affected with TRPM4-related conditions. An algorithm developed to predict the effect of missense changes on protein structure and function (PolyPhen-2) suggests that this variant is likely to be tolerated. In summary, the available evidence is currently insufficient to determine the role of this variant in disease. Therefore, it has been classified as a Variant of Uncertain Significance.